The following is an entry in ClinVar:

ClinVar aggregate classification (germline): Uncertain significance (1 of 4 stars; one submission).

gnomAD v4.1: 1 of 1,612,682 alleles (0.000062%); no homozygotes.

Submission:

Labcorp Genetics (formerly Invitae), Labcorp
Classification: Uncertain significance. Last evaluated: 2025-09-23. Review status: criteria provided, single submitter. Criteria: Invitae Variant Classification Sherloc (09022015). Collection method: clinical testing. Allele origin: germline.
Comment: This sequence change replaces glycine, which is neutral and non-polar, with serine, which is neutral and polar, at codon 3389 of the TRRAP protein (p.Gly3389Ser). This variant is not present in population databases (gnomAD no frequency). This variant has not been reported in the literature in individuals affected with TRRAP-related conditions. Invitae Evidence Modeling of protein sequence and biophysical properties (such as structural, functional, and spatial information, amino acid conservation, physicochemical variation, residue mobility, and thermodynamic stability) indicates that this missense variant is not expected to disrupt TRRAP protein function with a negative predictive value of 80%. In summary, the available evidence is currently insufficient to determine the role of this variant in disease. Therefore, it has been classified as a Variant of Uncertain Significance.

NM_001375524.1(TRRAP):c.10294G>A (p.Gly3432Ser)

Gene: TRRAP (transformation/transcription domain associated protein; plus strand). Cytogenetic location: 7q22.1.
Variant type: single nucleotide variant.
Coding change: c.10294G>A on transcript NM_001375524.1 (MANE Select); coding-DNA position 10294, G replaced by A.
Protein change: p.Gly3432Ser; replaces glycine 3432 with serine.
Molecular consequence: missense variant.
Genome position (GRCh38, 1-based): chr7:98,994,833, G>A. VCF-style: chr7-98994833-G-A. GRCh37 (hg19) VCF-style: chr7-98592456-G-A.
Other names: c.10252G>A, p.Gly3418Ser (NM_001244580.2); c.10165G>A, p.Gly3389Ser (NM_003496.4); short protein forms G3389S, G3418S, G3432S.
Identifiers: ClinVar variation 4810674 (VCV004810674.1).